The following is an entry in ClinVar:

NM_001854.4(COL11A1):c.3949C>T (p.Pro1317Ser)

Gene: COL11A1 (collagen type XI alpha 1 chain; minus strand). Cytogenetic location: 1p21.1.
Variant type: single nucleotide variant.
Coding change: c.3949C>T on transcript NM_001854.4 (MANE Select); coding-DNA position 3949, C replaced by T.
Protein change: p.Pro1317Ser; replaces proline 1317 with serine.
Molecular consequence: missense variant. On other transcripts: non-coding transcript variant (1).
Genome position (GRCh38, 1-based): chr1:102,914,381, G>A on the plus strand (C>T on the coding strand, the complement: COL11A1 is on the minus strand). VCF-style: chr1-102914381-G-A. GRCh37 (hg19) VCF-style: chr1-103379937-G-A.
Other names: c.3832C>T, p.Pro1278Ser (NM_001190709.2); c.3985C>T, p.Pro1329Ser (NM_080629.3); c.3601C>T, p.Pro1201Ser (NM_080630.4); short protein forms P1329S, P1201S, P1278S, P1317S.
Identifiers: ClinVar variation 1497029 (VCV001497029.6), dbSNP rs1190686816, ClinGen allele CA341160938.

ClinVar aggregate classification (germline): Uncertain significance (1 of 4 stars; one submission).

Allele frequency attached by ClinVar (database versions not stated): TOPMed below 0.00001.
gnomAD v4.1: 1 of 1,608,730 alleles (0.000062%); highest among the groups gnomAD compares: Non-Finnish European, 0.000085%; no homozygotes.

Submission:

Labcorp Genetics (formerly Invitae), Labcorp
Classification: Uncertain significance. Last evaluated: 2026-01-14. Review status: criteria provided, single submitter. Criteria: Invitae Variant Classification Sherloc (09022015). Collection method: clinical testing. Allele origin: germline.
Comment: This sequence change replaces proline, which is neutral and non-polar, with serine, which is neutral and polar, at codon 1317 of the COL11A1 protein (p.Pro1317Ser). This variant is not present in population databases (gnomAD no frequency). This variant has not been reported in the literature in individuals affected with COL11A1-related conditions. ClinVar contains an entry for this variant (Variation ID: 1497029). Invitae Evidence Modeling of protein sequence and biophysical properties (such as structural, functional, and spatial information, amino acid conservation, physicochemical variation, residue mobility, and thermodynamic stability) indicates that this missense variant is not expected to disrupt COL11A1 protein function with a negative predictive value of 80%. In summary, the available evidence is currently insufficient to determine the role of this variant in disease. Therefore, it has been classified as a Variant of Uncertain Significance.